The following is an entry in ClinVar:

ClinVar aggregate classification (germline): Conflicting classifications of pathogenicity. Review status: criteria provided, conflicting classifications (1 of 4 stars). 6 submissions from 6 submitters: Uncertain significance (3); Likely benign (3). Last evaluated 2026-02-03.

Conditions:
COL4A1-related disorder. Also called: COL4A1-related condition; COL4A1-related disorders. Identifiers: MedGen CN376119, MONDO:0800461.

Allele frequency attached by ClinVar (database versions not stated): gnomAD 0.00003 and 0.00004; gnomAD exomes 0.00003; TOPMed 0.00003.
gnomAD v4.1: 42 of 1,614,008 alleles (0.0026%); highest among the groups gnomAD compares: Non-Finnish European, 0.0032%; no homozygotes.

Submissions (6):

Labcorp Genetics (formerly Invitae), Labcorp
Classification: Uncertain significance. Last evaluated: 2026-02-03. Review status: criteria provided, single submitter. Criteria: Invitae Variant Classification Sherloc (09022015). Collection method: clinical testing. Allele origin: germline.
Comment: This sequence change falls in intron 49 of the COL4A1 gene. It does not directly change the encoded amino acid sequence of the COL4A1 protein. It affects a nucleotide within the consensus splice site. This variant is present in population databases (rs770167198, gnomAD 0.009%). This variant has not been reported in the literature in individuals affected with COL4A1-related conditions. ClinVar contains an entry for this variant (Variation ID: 506762). Variants that disrupt the consensus splice site are a relatively common cause of aberrant splicing (PMID: 17576681, 9536098). Algorithms developed to predict the effect of sequence changes on RNA splicing suggest that this variant may disrupt the consensus splice site. In summary, the available evidence is currently insufficient to determine the role of this variant in disease. Therefore, it has been classified as a Variant of Uncertain Significance.

PreventionGenetics, part of Exact Sciences
Classification: Likely benign for COL4A1-related condition. Last evaluated: 2025-05-22. Review status: criteria provided, single submitter. Criteria: ACMG Guidelines, 2015. Collection method: clinical testing. Allele origin: germline.
Comment: This variant is classified as likely benign based on ACMG/AMP sequence variant interpretation guidelines (Richards et al. 2015 PMID: 25741868, with internal and published modifications).

Blueprint Genetics
Classification: Likely benign. Last evaluated: 2023-11-20. Review status: criteria provided, single submitter. Criteria: ACMG Guidelines, 2015. Collection method: clinical testing. Allele origin: germline.

Revvity Omics, Revvity
Classification: Uncertain significance. Last evaluated: 2022-06-15. Review status: criteria provided, single submitter. Criteria: ACMG Guidelines, 2015. Collection method: clinical testing. Allele origin: germline.

CeGaT Center for Human Genetics Tuebingen
Classification: Uncertain significance. Last evaluated: 2019-07-01. Review status: criteria provided, single submitter. Criteria: CeGaT Center For Human Genetics Tuebingen Variant Classification Criteria Version 2. Collection method: clinical testing. Allele origin: germline. Affected: yes. Observed: 1 variant allele.

GeneDx
Classification: Likely benign. Last evaluated: 2017-01-06. Review status: criteria provided, single submitter. Criteria: GeneDx Variant Classification (06012015). Collection method: clinical testing. Allele origin: germline. Affected: yes.
Comment: This variant is considered likely benign or benign based on one or more of the following criteria: it is a conservative change, it occurs at a poorly conserved position in the protein, it is predicted to be benign by multiple in silico algorithms, and/or has population frequency not consistent with disease.

Literature cited by the submitters: PubMed 17576681 (cited by Labcorp Genetics (formerly Invitae), Labcorp); PubMed 9536098 (cited by Labcorp Genetics (formerly Invitae), Labcorp).

NM_001845.6(COL4A1):c.4640+3G>T

Gene: COL4A1 (collagen type IV alpha 1 chain; minus strand). Cytogenetic location: 13q34.
Variant type: single nucleotide variant.
Coding change: c.4640+3G>T on transcript NM_001845.6 (MANE Select); 3 bases into the intron after coding-DNA position 4640, G replaced by T.
Molecular consequence: intron variant.
Genome position (GRCh38, 1-based): chr13:110,161,189, C>A on the plus strand (G>T on the coding strand, the complement: COL4A1 is on the minus strand). VCF-style: chr13-110161189-C-A. GRCh37 (hg19) VCF-style: chr13-110813536-C-A.
Other names: c.4640+3G>T (NM_001845.5).
Identifiers: ClinVar variation 506762 (VCV000506762.52), dbSNP rs770167198, ClinGen allele CA7046883.